The following is an entry in ClinVar:

NM_000535.7(PMS2):c.23+8G>A

Gene: PMS2 (PMS1 homolog 2, mismatch repair system component; minus strand). Cytogenetic location: 7p22.1.
Variant type: single nucleotide variant.
Coding change: c.23+8G>A on transcript NM_000535.7 (MANE Select); 8 bases into the intron after coding-DNA position 23, G replaced by A.
Molecular consequence: intron variant. On other transcripts: 5 prime UTR variant (2).
Genome position (GRCh38, 1-based): chr7:6,008,989, C>T on the plus strand (G>A on the coding strand, the complement: PMS2 is on the minus strand). VCF-style: chr7-6008989-C-T. GRCh37 (hg19) VCF-style: chr7-6048620-C-T.
Other names: c.-565G>A (NM_001322005.2); c.-560G>A (NM_001322009.2); c.-53+8G>A (NM_001322008.2); c.-243+8G>A (NM_001322010.2, NM_001322004.2); c.-378+8G>A (NM_001322013.2, NM_001322003.2); c.-857+8G>A (NM_001322012.2); c.-457+8G>A (NM_001322015.2); c.-193+8G>A (NM_001322007.2); and 2 more.
Identifiers: ClinVar variation 1091949 (VCV001091949.10), dbSNP rs369891441, ClinGen allele CA047982.

ClinVar aggregate classification (germline): Likely benign. Review status: criteria provided, multiple submitters, no conflicts (2 of 4 stars). 2 submissions from 2 submitters: Likely benign (2). Last evaluated 2025-02-03.

Conditions:
Hereditary nonpolyposis colorectal neoplasms. Identifiers: MedGen C0009405, MeSH D003123.
Lynch syndrome 4 (LYNCH4). Also called: Hereditary non-polyposis colorectal cancer, type 4; Colorectal cancer, hereditary nonpolyposis, type 4. Identifiers: Orphanet 144, MedGen C1838333, MONDO:0013699, OMIM 614337. Disease mechanism: loss of function.

Allele frequency attached by ClinVar (database versions not stated): gnomAD 0.00001; gnomAD exomes 0.00001; TOPMed 0.00001; ExAC 0.00002; ESP Exome Variant Server 0.00008.

Submissions (2):

Labcorp Genetics (formerly Invitae), Labcorp
Classification: Likely benign for Hereditary nonpolyposis colorectal neoplasms. Last evaluated: 2025-02-03. Review status: criteria provided, single submitter. Criteria: Invitae Variant Classification Sherloc (09022015). Collection method: clinical testing. Allele origin: germline.

Myriad Genetics, Inc.
Classification: Likely benign for Lynch syndrome 4. Last evaluated: 2025-01-23. Review status: criteria provided, single submitter. Criteria: Myriad Autosomal Dominant, Autosomal Recessive and X-Linked Classification Criteria (2023). Collection method: clinical testing. Allele origin: unknown.
Comment: This variant is considered likely benign. This variant is intronic and is not expected to impact mRNA splicing.